The following is an entry in ClinVar:

NM_005245.4(FAT1):c.6066A>T (p.Arg2022Ser)

Gene: FAT1 (FAT atypical cadherin 1; minus strand). Cytogenetic location: 4q35.2.
Variant type: single nucleotide variant.
Coding change: c.6066A>T on transcript NM_005245.4 (MANE Select); coding-DNA position 6066, A replaced by T.
Protein change: p.Arg2022Ser; replaces arginine 2022 with serine.
Molecular consequence: missense variant.
Genome position (GRCh38, 1-based): chr4:186,620,520, T>A on the plus strand (A>T on the coding strand, the complement: FAT1 is on the minus strand). VCF-style: chr4-186620520-T-A. GRCh37 (hg19) VCF-style: chr4-187541674-T-A.
Other names: short protein forms R2022S.
Identifiers: ClinVar variation 2633491 (VCV002633491.1), dbSNP rs1436285485, ClinGen allele CA358969805.
Genomic context (GRCh38, chr4:186,620,520, plus strand): 5'-CTCACGATCGAAGGGCGTGCCAGTGGTTGACAGAACTCCTGAAGTGCGGCTTATTTTAAA[T>A]CTGCGATCTGGGTTGAGGATGTGATAAAACAAAGGCTCATTGATTGGATTCCCAATAGCA-3'
Protein context (NP_005236.2, residues 2012-2032): LFYHILNPDR[Arg2022Ser]FKISRTSGVL

ClinVar aggregate classification (germline): Uncertain significance (1 of 4 stars; one submission).

Conditions:
FAT1-related disorder. Also called: FAT1-related condition.

gnomAD v4.1: 27 of 1,614,004 alleles (0.0017%); highest among the groups gnomAD compares: Non-Finnish European, 0.0023%; no homozygotes.

Submission:

PreventionGenetics, part of Exact Sciences
Classification: Uncertain significance for FAT1-related condition. Last evaluated: 2023-03-13. Review status: criteria provided, single submitter. Criteria: ACMG Guidelines, 2015. Collection method: clinical testing. Allele origin: germline.
Comment: The FAT1 c.6066A>T variant is predicted to result in the amino acid substitution p.Arg2022Ser. To our knowledge, this variant has not been reported in the literature. This variant is reported in 0.00089% of alleles in individuals of European (Non-Finnish) descent in gnomAD. At this time, the clinical significance of this variant is uncertain due to the absence of conclusive functional and genetic evidence.